The following is an entry in ClinVar:

NM_024426.6(WT1):c.482G>T (p.Cys161Phe)

Genes: WT1 (WT1 transcription factor; minus strand), LOC107982234 (WT1/WT1-AS bi-directional promoter region; plus strand). Cytogenetic location: 11p13.
Variant type: single nucleotide variant.
Coding change: c.482G>T on transcript NM_024426.6 (MANE Select); coding-DNA position 482, G replaced by T.
Protein change: p.Cys161Phe; replaces cysteine 161 with phenylalanine.
Molecular consequence: missense variant. On other transcripts: non-coding transcript variant (1).
Genome position (GRCh38, 1-based): chr11:32,434,879, C>A on the plus strand (G>T on the coding strand, the complement: WT1 is on the minus strand). VCF-style: chr11-32434879-C-A. GRCh37 (hg19) VCF-style: chr11-32456425-C-A.
Other names: c.482G>T, p.Cys161Phe (NM_000378.6, NM_024424.5); c.467G>T (NM_024426.4); short protein forms C161F.
Identifiers: ClinVar variation 1386369 (VCV001386369.9), dbSNP rs1201988298, ClinGen allele CA379964926.
Genomic context (GRCh38, chr11:32,434,879, plus strand): 5'-CGACAGGCTCCGGCTGTGCCAGTGAACTGGCCGGAAAAGTGGACAGTGAAGGCGCTCAGG[C>A]ACTGCTCCTCGTGCGGCTCCGCGCCGCCCCAGCTCGGCTCCTGTTTGATGAAGGAGTGAG-3'
Protein context (NP_077744.4, residues 151-171): WGGAEPHEEQ[Cys161Phe]LSAFTVHFSG

ClinVar aggregate classification (germline): Uncertain significance. Review status: criteria provided, multiple submitters, no conflicts (2 of 4 stars). 2 submissions from 2 submitters: Uncertain significance (2). Last evaluated 2025-05-16.

Conditions:
Wilms tumor 1 (WT1). Also called: Wilms tumor, somatic. Identifiers: Orphanet 654, MedGen CN033288, MONDO:0008679, OMIM 194070.
11p partial monosomy syndrome (WAGR). Also called: WAGR Complex; WAGR Spectrum Disorder; CHROMOSOME 11p13 DELETION SYNDROME; WAGR syndrome. Identifiers: Orphanet 893, MedGen C0206115, MONDO:0008681, OMIM 194072.
Drash syndrome (DDS). Also called: NEPHROPATHY, WILMS TUMOR, AND GENITAL ANOMALIES; WILMS TUMOR AND PSEUDO- OR TRUE HERMAPHRODITISM. Identifiers: Orphanet 220, MedGen C0950121, MONDO:0008682, OMIM 194080.
Frasier syndrome. Identifiers: Orphanet 347, MedGen C0950122, MeSH D052159, MONDO:0007635, OMIM 136680.
Inborn genetic diseases. Identifiers: MedGen C0950123, MeSH D030342.

Submissions (2):

Ambry Genetics
Classification: Uncertain significance for Inborn genetic diseases. Last evaluated: 2025-05-16. Review status: criteria provided, single submitter. Criteria: Ambry Variant Classification Scheme 2023. Collection method: clinical testing. Allele origin: germline.
Comment: The p.C156F variant (also known as c.467G>T), located in coding exon 1 of the WT1 gene, results from a G to T substitution at nucleotide position 467. The cysteine at codon 156 is replaced by phenylalanine, an amino acid with highly dissimilar properties. This amino acid position is not well conserved in available vertebrate species. In addition, this alteration is predicted to be tolerated by in silico analysis. Based on the available evidence, the clinical significance of this variant remains unclear.

Labcorp Genetics (formerly Invitae), Labcorp
Classification: Uncertain significance for Wilms tumor 1; Drash syndrome; 11p partial monosomy syndrome; Frasier syndrome. Last evaluated: 2021-04-05. Review status: criteria provided, single submitter. Criteria: Invitae Variant Classification Sherloc (09022015). Collection method: clinical testing. Allele origin: germline.
Comment: In summary, the available evidence is currently insufficient to determine the role of this variant in disease. Therefore, it has been classified as a Variant of Uncertain Significance. Algorithms developed to predict the effect of missense changes on protein structure and function (SIFT, PolyPhen-2, Align-GVGD) all suggest that this variant is likely to be tolerated, but these predictions have not been confirmed by published functional studies and their clinical significance is uncertain. This variant has not been reported in the literature in individuals with WT1-related conditions. This variant is not present in population databases (ExAC no frequency). This sequence change replaces cysteine with phenylalanine at codon 156 of the WT1 protein (p.Cys156Phe). The cysteine residue is highly conserved and there is a large physicochemical difference between cysteine and phenylalanine.